The following is an entry in ClinVar:

ClinVar aggregate classification (germline): Uncertain significance (1 of 4 stars; one submission).

Submission:

Labcorp Genetics (formerly Invitae), Labcorp
Classification: Uncertain significance. Last evaluated: 2023-05-02. Review status: criteria provided, single submitter. Criteria: Invitae Variant Classification Sherloc (09022015). Collection method: clinical testing. Allele origin: germline.
Comment: In summary, the available evidence is currently insufficient to determine the role of this variant in disease. Therefore, it has been classified as a Variant of Uncertain Significance. ClinVar contains an entry for this variant (Variation ID: 1015374). This variant has not been reported in the literature in individuals affected with HOXB13-related conditions. This variant is not present in population databases (gnomAD no frequency). This sequence change creates a premature translational stop signal (p.Gln62*) in the HOXB13 gene. It is expected to result in an absent or disrupted protein product. However, the current clinical and genetic evidence is not sufficient to establish whether loss-of-function variants in HOXB13 cause disease.

NM_006361.6(HOXB13):c.184C>T (p.Gln62Ter)

Gene: HOXB13 (homeobox B13; minus strand). Cytogenetic location: 17q21.32.
Variant type: single nucleotide variant.
Coding change: c.184C>T on transcript NM_006361.6 (MANE Select); coding-DNA position 184, C replaced by T.
Protein change: p.Gln62Ter; replaces glutamine 62 with a stop codon.
Molecular consequence: nonsense.
Genome position (GRCh38, 1-based): chr17:48,728,410, G>A on the plus strand (C>T on the coding strand, the complement: HOXB13 is on the minus strand). VCF-style: chr17-48728410-G-A. GRCh37 (hg19) VCF-style: chr17-46805772-G-A.
Other names: short protein forms Q62*.
Identifiers: ClinVar variation 1015374 (VCV001015374.6), dbSNP rs1597934862, ClinGen allele CA400108019.